The following is an entry in ClinVar:

NM_001002010.5(NT5C3A):c.499_502del (p.Glu167fs)

Gene: NT5C3A (5'-nucleotidase, cytosolic IIIA; minus strand). Cytogenetic location: 7p14.3.
Variant type: Deletion.
Coding change: c.499_502del on transcript NM_001002010.5 (MANE Select); coding-DNA positions 499 to 502, 4 bases deleted (GAAA; older notation c.499_502delGAAA).
Protein change: p.Glu167fs; shifts the reading frame from glutamic acid 167.
Molecular consequence: frameshift variant.
Genome position (GRCh38, 1-based): chr7:33,019,663-33,019,666, TTTC deleted on the plus strand (GAAA on the coding strand, the reverse complement: NT5C3A is on the minus strand); deleting any 4 consecutive bases within chr7:33,019,663-33,019,669 gives the same sequence; the c. name uses the placement nearest the transcript's 3' end. VCF-style (leftmost placement, unchanged base first): chr7-33019662-ATTTC-A. GRCh37 (hg19) VCF-style: chr7-33059274-ATTTC-A.
Other names: c.397_400del, p.Glu133fs (NM_001002009.3, NM_016489.14); c.361_364del, p.Glu121fs (NM_001166118.3, NM_001356996.3, NM_001374336.1 and 1 more transcripts); c.400_403del, p.Glu134fs (NM_001374335.1); c.499_502del, p.Glu167fs (NM_001374338.1); c.298_301del, p.Glu100fs (NM_001374339.1); short protein forms E100fs, E134fs, E121fs, E133fs, E167fs.
Identifiers: ClinVar variation 2854800 (VCV002854800.3), dbSNP rs2534692311, ClinGen allele CA2739266380.

ClinVar aggregate classification (germline): Pathogenic (1 of 4 stars; one submission).

Submission:

Labcorp Genetics (formerly Invitae), Labcorp
Classification: Pathogenic. Last evaluated: 2024-10-15. Review status: criteria provided, single submitter. Criteria: Invitae Variant Classification Sherloc (09022015). Collection method: clinical testing. Allele origin: germline.
Comment: This sequence change creates a premature translational stop signal (p.Glu133Leufs*38) in the NT5C3A gene. It is expected to result in an absent or disrupted protein product. Loss-of-function variants in NT5C3A are known to be pathogenic (PMID: 12714505). This variant is not present in population databases (gnomAD no frequency). This variant has not been reported in the literature in individuals affected with NT5C3A-related conditions. Algorithms developed to predict the effect of sequence changes on RNA splicing suggest that this variant may disrupt the consensus splice site. For these reasons, this variant has been classified as Pathogenic.

Literature cited by the submitters: PubMed 12714505.